The following is an entry in ClinVar:

ClinVar aggregate classification (germline): Uncertain significance (1 of 4 stars; one submission).

Conditions:
Amelogenesis imperfecta type 1E. Also called: Amelogenesis imperfecta X-linked 1; Enamel hypoplasia X-linked; ENAMEL HYPOPLASIA, X-LINKED 1; Amelogenesis imperfecta, hypomaturation type, with snow-capped teeth; Amelogenesis Imperfecta, Hypoplastic/Hypomaturation, X-Linked 1. Identifiers: Orphanet 88661, MedGen C1845053, MONDO:0010521, OMIM 301200. Disease mechanism: loss of function.

Submission:

Juno Genomics, Hangzhou Juno Genomics, Inc
Classification: Uncertain significance for Amelogenesis imperfecta type 1E. Review status: criteria provided, single submitter. Criteria: ACMG Guidelines, 2015. Collection method: clinical testing. Allele origin: germline.
Comment: Absent from controls (or at extremely low frequency if recessive) in Genome Aggregation Database.;Multiple lines of computational evidence support a deleterious effect on the gene or gene product.;Co-segregation with disease in multiple affected family members.

NM_001142.2(AMELX):c.103-136T>C

Genes: ARHGAP6 (Rho GTPase activating protein 6; minus strand), AMELX (amelogenin X-linked; plus strand). Cytogenetic location: Xp22.2.
Variant type: single nucleotide variant.
Coding change: c.103-136T>C on transcript NM_001142.2 (MANE Select); 136 bases into the intron before coding-DNA position 103, T replaced by C.
Molecular consequence: intron variant.
Genome position (GRCh38, 1-based): chrX:11,298,100, T>C. VCF-style: chrX-11298100-T-C. GRCh37 (hg19) VCF-style: chrX-11316220-T-C.
Other names: c.589-43393A>G (NM_013427.3, NM_006125.3); c.49-43393A>G (NM_001287242.2); c.103-3T>C (NM_182680.1); c.55-136T>C (NM_182681.1).
Identifiers: ClinVar variation 5007495 (VCV005007495.2).
Genomic context (GRCh38, chrX:11,298,100, plus strand): 5'-AAACACAGTGCCTGTCACACAGGAAGCACCCAACAAATTTTTACCTTCTTCTTTCTTTTG[T>C]AGAACTCACATTCTCAGGCTATCAATGTTGACAGGACTGCATTAGTGAGTCTATATTTCC-3'